The following is an entry in ClinVar:

NM_001267550.2(TTN):c.20880T>C (p.Thr6960=)

Genes: TTN (titin; minus strand), LOC126806428 (BRD4-independent group 4 enhancer GRCh37_chr2:179588362-179589561; plus strand). Cytogenetic location: 2q31.2.
Variant type: single nucleotide variant.
Coding change: c.20880T>C on transcript NM_001267550.2 (MANE Select); coding-DNA position 20880, T replaced by C.
Protein change: p.Thr6960=; no amino-acid change (threonine 6960 retained).
Molecular consequence: synonymous variant. On other transcripts: intron variant (3).
Genome position (GRCh38, 1-based): chr2:178,724,495, A>G on the plus strand (T>C on the coding strand, the complement: TTN is on the minus strand). VCF-style: chr2-178724495-A-G. GRCh37 (hg19) VCF-style: chr2-179589222-A-G.
Other names: c.19929T>C, p.Thr6643= (NM_001256850.1); c.17148T>C, p.Thr5716= (NM_133378.4); c.13282+13587T>C (NM_003319.4); c.13858+13587T>C (NM_133437.4); c.13657+13587T>C (NM_133432.3).
Identifiers: ClinVar variation 509735 (VCV000509735.1), dbSNP rs1466462241, ClinGen allele CA430289319.

ClinVar aggregate classification (germline): Likely benign (1 of 4 stars; one submission).

Submission:

GeneDx
Classification: Likely benign. Last evaluated: 2017-05-17. Review status: criteria provided, single submitter. Criteria: GeneDx Variant Classification (06012015). Collection method: clinical testing. Allele origin: germline. Affected: yes.
Comment: This variant is considered likely benign or benign based on one or more of the following criteria: it is a conservative change, it occurs at a poorly conserved position in the protein, it is predicted to be benign by multiple in silico algorithms, and/or has population frequency not consistent with disease.